The following is an entry in ClinVar:

NM_014112.5(TRPS1):c.1997del (p.Gly666fs)

Gene: TRPS1 (transcriptional repressor GATA binding 1; minus strand). Cytogenetic location: 8q23.3.
Variant type: Deletion.
Coding change: c.1997del on transcript NM_014112.5 (MANE Select); coding-DNA position 1997, one base deleted (G; older notation c.1997delG).
Protein change: p.Gly666fs; shifts the reading frame from glycine 666.
Molecular consequence: frameshift variant.
Genome position (GRCh38, 1-based): chr8:115,603,972, C deleted on the plus strand (G on the coding strand, the reverse complement: TRPS1 is on the minus strand); the first of 2 consecutive C bases (chr8:115,603,972-115,603,973); deleting either gives the same sequence. VCF-style (leftmost placement, unchanged base first): chr8-115603971-TC-T. GRCh37 (hg19) VCF-style: chr8-116616198-TC-T.
Other names: c.1970del, p.Gly657fs (NM_001282902.3); c.1976del, p.Gly659fs (NM_001282903.3); c.1958del, p.Gly653fs (NM_001330599.2); short protein forms G653fs, G657fs, G659fs, G666fs.
Identifiers: ClinVar variation 3753589 (VCV003753589.2).

ClinVar aggregate classification (germline): Pathogenic (1 of 4 stars; one submission).

Conditions:
Trichorhinophalangeal dysplasia type I (TRPS1). Also called: TRICHORHINOPHALANGEAL SYNDROME, TYPE I; TRPS I. Identifiers: Orphanet 77258, MedGen C0432233, MONDO:0008596, OMIM 190350.
Trichorhinophalangeal syndrome, type III (TRPS3). Also called: SUGIO-KAJII SYNDROME. Identifiers: Orphanet 77258, MedGen C1860823, OMIM 190351, MONDO:0008597.

Submission:

Labcorp Genetics (formerly Invitae), Labcorp
Classification: Pathogenic for Trichorhinophalangeal syndrome, type III; Trichorhinophalangeal dysplasia type I. Last evaluated: 2024-02-04. Review status: criteria provided, single submitter. Criteria: Invitae Variant Classification Sherloc (09022015). Collection method: clinical testing. Allele origin: germline.
Comment: This sequence change creates a premature translational stop signal (p.Gly666Aspfs*98) in the TRPS1 gene. It is expected to result in an absent or disrupted protein product. Loss-of-function variants in TRPS1 are known to be pathogenic (PMID: 11112658). This variant is not present in population databases (gnomAD no frequency). This variant has not been reported in the literature in individuals affected with TRPS1-related conditions. For these reasons, this variant has been classified as Pathogenic.

Literature cited by the submitters: PubMed 11112658.